The following is an entry in ClinVar:

ClinVar aggregate classification (germline): Uncertain significance. Review status: criteria provided, multiple submitters, no conflicts (2 of 4 stars). 2 submissions from 2 submitters: Uncertain significance (2). Last evaluated 2025-12-08.

Conditions:
Hereditary cancer-predisposing syndrome. Also called: Tumor predisposition; Hereditary neoplastic syndrome; Hereditary Cancer Syndrome; Neoplastic Syndromes, Hereditary. Identifiers: Orphanet 140162, MedGen C0027672, MeSH D009386, MONDO:0015356.

Submissions (2):

Labcorp Genetics (formerly Invitae), Labcorp
Classification: Uncertain significance for Hereditary cancer-predisposing syndrome. Last evaluated: 2025-12-08. Review status: criteria provided, single submitter. Criteria: Invitae Variant Classification Sherloc (09022015). Collection method: clinical testing. Allele origin: germline.
Comment: This sequence change replaces aspartic acid, which is acidic and polar, with glycine, which is neutral and non-polar, at codon 1238 of the RAD50 protein (p.Asp1238Gly). This variant is not present in population databases (gnomAD no frequency). This variant has not been reported in the literature in individuals affected with RAD50-related conditions. ClinVar contains an entry for this variant (Variation ID: 1462817). Invitae Evidence Modeling of protein sequence and biophysical properties (such as structural, functional, and spatial information, amino acid conservation, physicochemical variation, residue mobility, and thermodynamic stability) indicates that this missense variant is expected to disrupt RAD50 protein function with a positive predictive value of 80%. In summary, the available evidence is currently insufficient to determine the role of this variant in disease. Therefore, it has been classified as a Variant of Uncertain Significance.

Ambry Genetics
Classification: Uncertain significance for Hereditary cancer-predisposing syndrome. Last evaluated: 2020-03-02. Review status: criteria provided, single submitter. Criteria: Ambry Variant Classification Scheme 2023. Collection method: clinical testing. Allele origin: germline.
Comment: The p.D1238G variant (also known as c.3713A>G), located in coding exon 24 of the RAD50 gene, results from an A to G substitution at nucleotide position 3713. The aspartic acid at codon 1238 is replaced by glycine, an amino acid with similar properties. This amino acid position is highly conserved in available vertebrate species. In addition, this alteration is predicted to be deleterious by in silico analysis. Since supporting evidence is limited at this time, the clinical significance of this alteration remains unclear.

NM_005732.4(RAD50):c.3713A>G (p.Asp1238Gly)

Genes: RAD50 (RAD50 double strand break repair protein; plus strand), TH2-LCR (Th2 cytokine locus control region; plus strand), TH2LCRR (T helper type 2 locus control region associated RNA; minus strand). Cytogenetic location: 5q31.1.
Variant type: single nucleotide variant.
Coding change: c.3713A>G on transcript NM_005732.4 (MANE Select); coding-DNA position 3713, A replaced by G.
Protein change: p.Asp1238Gly; replaces aspartic acid 1238 with glycine.
Molecular consequence: missense variant.
Genome position (GRCh38, 1-based): chr5:132,640,766, A>G. VCF-style: chr5-132640766-A-G. GRCh37 (hg19) VCF-style: chr5-131976458-A-G.
Other names: short protein forms D1238G.
Identifiers: ClinVar variation 1462817 (VCV001462817.8), dbSNP rs2149865777, ClinGen allele CA360934663.